The following is an entry in ClinVar:

ClinVar aggregate classification (germline): Uncertain significance (1 of 4 stars; one submission).

Conditions:
Perlman syndrome (PRLMNS). Identifiers: Orphanet 2849, MedGen C0796113, MONDO:0009965, OMIM 267000.

Submission:

Labcorp Genetics (formerly Invitae), Labcorp
Classification: Uncertain significance for Perlman syndrome. Last evaluated: 2022-03-13. Review status: criteria provided, single submitter. Criteria: Invitae Variant Classification Sherloc (09022015). Collection method: clinical testing. Allele origin: germline.
Comment: In summary, the available evidence is currently insufficient to determine the role of this variant in disease. Therefore, it has been classified as a Variant of Uncertain Significance. Algorithms developed to predict the effect of missense changes on protein structure and function (SIFT, PolyPhen-2, Align-GVGD) all suggest that this variant is likely to be tolerated. This variant has not been reported in the literature in individuals affected with DIS3L2-related conditions. This variant is not present in population databases (gnomAD no frequency). This sequence change replaces valine, which is neutral and non-polar, with leucine, which is neutral and non-polar, at codon 791 of the DIS3L2 protein (p.Val791Leu).

NM_152383.5(DIS3L2):c.2371G>C (p.Val791Leu)

Gene: DIS3L2 (DIS3 like 3'-5' exoribonuclease 2; plus strand). Cytogenetic location: 2q37.1.
Variant type: single nucleotide variant.
Coding change: c.2371G>C on transcript NM_152383.5 (MANE Select); coding-DNA position 2371, G replaced by C.
Protein change: p.Val791Leu; replaces valine 791 with leucine.
Molecular consequence: missense variant. On other transcripts: non-coding transcript variant (2), intron variant (1).
Genome position (GRCh38, 1-based): chr2:232,334,712, G>C. VCF-style: chr2-232334712-G-C. GRCh37 (hg19) VCF-style: chr2-233199422-G-C.
Other names: c.1582-8633G>C (NM_001257281.2); short protein forms V791L.
Identifiers: ClinVar variation 1448654 (VCV001448654.6), dbSNP rs374080052, ClinGen allele CA350978069.